The following is an entry in ClinVar:

ClinVar aggregate classification (germline): Uncertain significance. Review status: criteria provided, multiple submitters, no conflicts (2 of 4 stars). 2 submissions from 2 submitters: Uncertain significance (2). Last evaluated 2019-01-28.

Submissions (2):

GeneDx
Classification: Uncertain significance. Last evaluated: 2019-01-28. Review status: criteria provided, single submitter. Criteria: GeneDx Variant Classification Process June 2021. Collection method: clinical testing. Allele origin: germline. Affected: yes.
Comment: Not observed in large population cohorts (Lek et al., 2016; McVean et al., 2012; Exome Variant Server); In-frame deletion of 4 amino acids in a non-repeat region; In silico analysis, which includes protein predictors and evolutionary conservation, supports a deleterious effect; Has not been previously published as pathogenic or benign to our knowledge

Eurofins Ntd Llc (ga)
Classification: Uncertain significance. Last evaluated: 2016-10-25. Review status: criteria provided, single submitter. Criteria: EGL Classification Definitions 2015. Collection method: clinical testing. Allele origin: germline. Observed: 1 variant allele, 1 heterozygote.

NM_033337.3(CAV3):c.129_140del (p.Asp43_Ala46del)

Genes: CAV3 (caveolin 3; plus strand), OXTR (oxytocin receptor; minus strand). Cytogenetic location: 3p25.3.
Variant type: Deletion.
Coding change: c.129_140del on transcript NM_033337.3 (MANE Select); coding-DNA positions 129 to 140, 12 bases deleted (CGTGATCGCAGA).
Protein change: p.Asp43_Ala46del.
Molecular consequence: inframe deletion.
Genome position (GRCh38, 1-based): chr3:8,745,540-8,745,551, CGTGATCGCAGA deleted; deleting any 12 consecutive bases within chr3:8,745,537-8,745,551 gives the same sequence; the c. name uses the placement nearest the transcript's 3' end. VCF-style (leftmost placement, unchanged base first): chr3-8745536-AAGACGTGATCGC-A. GRCh37 (hg19) VCF-style: chr3-8787222-AAGACGTGATCGC-A.
Other names: c.129_140del, p.Asp43_Ala46del (NM_001234.5).
Identifiers: ClinVar variation 497829 (VCV000497829.7), dbSNP rs1553614404, ClinGen allele CA658796223.